The following is an entry in ClinVar:

NM_000494.4(COL17A1):c.1062C>T (p.Ala354=)

Gene: COL17A1 (collagen type XVII alpha 1 chain; minus strand). Cytogenetic location: 10q25.1.
Variant type: single nucleotide variant.
Coding change: c.1062C>T on transcript NM_000494.4 (MANE Select); coding-DNA position 1062, C replaced by T.
Protein change: p.Ala354=; no amino-acid change (alanine 354 retained).
Molecular consequence: synonymous variant.
Genome position (GRCh38, 1-based): chr10:104,060,198, G>A on the plus strand (C>T on the coding strand, the complement: COL17A1 is on the minus strand). VCF-style: chr10-104060198-G-A. GRCh37 (hg19) VCF-style: chr10-105819956-G-A.
Other names: c.1062C>T, p.Ala354= (LRG_1249t1).
Identifiers: ClinVar variation 256263 (VCV000256263.19), dbSNP rs805701, ClinGen allele CA5679180.

ClinVar aggregate classification (germline): Benign. Review status: criteria provided, multiple submitters, no conflicts (2 of 4 stars). 7 submissions from 6 submitters: Benign (7). Last evaluated 2026-02-04.

Conditions:
Epithelial recurrent erosion dystrophy (ERED). Also called: CORNEAL EROSIONS, RECURRING HEREDITARY. Identifiers: Orphanet 293381, MedGen C1852551, MONDO:0007381, OMIM 122400.
Junctional epidermolysis bullosa, non-Herlitz type. Also called: Adult junctional epidermolysis bullosa; COL17A1-Related Junctional Epidermolysis Bullosa; Epidermolysis bullosa, junctional, non-herlitz type, somatic mosaic revertant; EPIDERMOLYSIS BULLOSA JUNCTIONALIS, DISENTIS TYPE; EPIDERMOLYSIS BULLOSA JUNCTIONALIS, NON-HERLITZ TYPE; EPIDERMOLYSIS BULLOSA JUNCTIONALIS, PROGRESSIVE. Identifiers: Orphanet 251393, Orphanet 79402, Orphanet 79405, Orphanet 89840, MedGen C0268374, MONDO:0009180, OMIM 226650.

Allele frequency attached by ClinVar (database versions not stated): 1000 Genomes Project 30x 0.54435; 1000 Genomes Project 0.55252; ESP Exome Variant Server 0.55521; TOPMed 0.56402; gnomAD 0.56681 and 0.57322; ExAC 0.64732; gnomAD exomes 0.65745 and 0.67096.
gnomAD v4.1: 1,066,548 of 1,613,894 alleles (66%); highest among the groups gnomAD compares: Admixed American, 73%; 358,427 homozygotes.

Submissions (7):

Labcorp Genetics (formerly Invitae), Labcorp
Classification: Benign. Last evaluated: 2026-02-04. Review status: criteria provided, single submitter. Criteria: Invitae Variant Classification Sherloc (09022015). Collection method: clinical testing. Allele origin: germline.

Genome-Nilou Lab
Classification: Benign for Junctional epidermolysis bullosa, non-Herlitz type. Last evaluated: 2021-07-22. Review status: criteria provided, single submitter. Criteria: ACMG Guidelines, 2015. Collection method: clinical testing. Allele origin: germline. Affected: no.

Genome-Nilou Lab
Classification: Benign for Epithelial recurrent erosion dystrophy. Last evaluated: 2021-07-22. Review status: criteria provided, single submitter. Criteria: ACMG Guidelines, 2015. Collection method: clinical testing. Allele origin: germline. Affected: no.

Illumina Laboratory Services, Illumina
Classification: Benign for Junctional epidermolysis bullosa, non-Herlitz type. Last evaluated: 2018-01-13. Review status: criteria provided, single submitter. Criteria: ICSL Variant Classification Criteria 13 December 2019. Collection method: clinical testing. Allele origin: germline.
Comment: This variant was observed in the ICSL laboratory as part of a predisposition screen in an ostensibly healthy population. It had not been previously curated by ICSL or reported in the Human Gene Mutation Database (HGMD: prior to June 1st, 2018), and was therefore a candidate for classification through an automated scoring system. Utilizing variant allele frequency, disease prevalence and penetrance estimates, and inheritance mode, an automated score was calculated to assess if this variant is too frequent to cause the disease. Based on the score and internal cut-off values, a variant classified as benign is not then subjected to further curation. The score for this variant resulted in a classification of benign for this disease.

GeneDx
Classification: Benign. Last evaluated: 2015-03-03. Review status: criteria provided, single submitter. Criteria: GeneDx Variant Classification Process June 2021. Collection method: clinical testing. Allele origin: germline. Affected: yes.

Breakthrough Genomics
Classification: Benign. Review status: criteria provided, single submitter. Criteria: ACMG Guidelines, 2015. Collection method: not provided. Allele origin: germline. Inheritance: Autosomal recessive inheritance. Affected: yes.

PreventionGenetics, part of Exact Sciences
Classification: Benign. Review status: criteria provided, single submitter. Criteria: ACMG Guidelines, 2015. Collection method: clinical testing. Allele origin: germline.